The following is an entry in ClinVar:

NM_016592.5(GNAS):c.575A>G (p.Glu192Gly)

Genes: GNAS (GNAS complex locus; plus strand), GNAS-AS1 (GNAS antisense RNA 1; minus strand). Cytogenetic location: 20q13.32.
Variant type: single nucleotide variant.
Coding change: c.575A>G on transcript NM_016592.5 (MANE Plus Clinical); coding-DNA position 575, A replaced by G.
Protein change: p.Glu192Gly; replaces glutamic acid 192 with glycine.
Molecular consequence: missense variant. On other transcripts: 5 prime UTR variant (1).
Genome position (GRCh38, 1-based): chr20:58,840,681, A>G. VCF-style: chr20-58840681-A-G. GRCh37 (hg19) VCF-style: chr20-57415736-A-G.
Other names: c.-163A>G (NM_001410912.1); short protein forms E192G.
Identifiers: ClinVar variation 3349654 (VCV003349654.1).
Genomic context (GRCh38, chr20:58,840,681, plus strand): 5'-ACGCCTCCCCAAGTCGCGCGCCGCCCAGCACTCAGGAGCCCCAGAGCCCCAGGGAAGGGG[A>G]GGAGCTCAAGCCCGAGGACAAAGATCCAAGGGACCCCGAAGAGTCGAAGGAGCCCAAGGA-3'
Protein context (NP_057676.1, residues 182-202): TQEPQSPREG[Glu192Gly]ELKPEDKDPR

ClinVar aggregate classification (germline): Uncertain significance (0 of 4 stars; one submission).

Conditions:
GNAS-related disorder. Identifiers: MedGen CN380105.

gnomAD v4.1: 4 of 1,604,418 alleles (0.00025%); highest among the groups gnomAD compares: East Asian, 0.0067%; no homozygotes.

Submission:

PreventionGenetics, part of Exact Sciences
Classification: Uncertain significance for GNAS-related condition. Last evaluated: 2023-11-01. Review status: no assertion criteria provided. Collection method: clinical testing. Allele origin: germline.
Comment: The GNAS c.575A>G variant is predicted to result in the amino acid substitution p.Glu192Gly. In the more commonly reported transcript (NM_000516.5), this variant is pre-coding (c.-51046A>G). To our knowledge, this variant has not been reported in the literature or in a large population database, indicating this variant is rare. At this time, the clinical significance of this variant is uncertain due to the absence of conclusive functional and genetic evidence.